The following is an entry in ClinVar:

ClinVar aggregate classification (germline): Conflicting classifications of pathogenicity. Review status: criteria provided, conflicting classifications (1 of 4 stars). 12 submissions from 12 submitters: Pathogenic (4); Likely pathogenic (3); Uncertain significance (4). 1 of the submissions does not count toward it. Last evaluated 2026-09-02.

Conditions:
ALB-related disorder. Also called: ALB-related condition.
Hyperthyroxinemia, familial dysalbuminemic (FDAH). Also called: EUTHYROID HYPERTHYROXINEMIA 1. Identifiers: MedGen C0342185, MONDO:0014448, OMIM 615999.
Analbuminemia (ANALBA). Also called: Analbuminemia, American Indian type; Analbuminemia, Vancouver. Identifiers: Orphanet 86816, MedGen C0878666, OMIM 616000.
Hyperthyroidism. Identifiers: MedGen C0020550, MONDO:0004425, HP:0000836.

Allele frequency attached by ClinVar (database versions not stated): gnomAD 0.00009 and 0.00008; 1000 Genomes Project 30x 0.00047; gnomAD exomes 0.00007; TOPMed 0.00018; 1000 Genomes Project 0.00040; ExAC 0.00007.
gnomAD v4.1: 113 of 1,614,048 alleles (0.007%); highest among the groups gnomAD compares: Admixed American, 0.025%; no homozygotes.

Submissions (12):

Clinical Genetics Laboratory, Skane University Hospital Lund
Classification: Pathogenic for Hyperthyroxinemia, familial dysalbuminemic. Last evaluated: 2026-09-02. Review status: criteria provided, single submitter. Criteria: ACMG Guidelines, 2015. Collection method: clinical testing. Allele origin: germline. Affected: yes.
Comment: Formally a pathogenic variant for familial dysalbuminemic hyperthyroxinemia (FDH). However, it should be noted that FDH is a condition associated with laboratory anomalies but not a clinical phenotype. ACMG criteria used: PS3_Supporting, PS4, PP1_Strong, PP4.

PreventionGenetics, part of Exact Sciences
Classification: Pathogenic for ALB-related condition. Last evaluated: 2026-08-03. Review status: criteria provided, single submitter. Criteria: ACMG Guidelines, 2015. Collection method: clinical testing. Allele origin: germline.
Comment: The ALB c.725G>A variant is predicted to result in the amino acid substitution p.Arg242His. This variant has been reported in the heterozygous state in multiple individuals with familial dysalbuminaemic hyperthyroxinaemia (FDH), and it segregates with biochemical findings in families (alternate nomenclature p.Arg218His; Sunthornthepvarakul et al. 1994. PubMed ID: 8048949; AvRuskin et al. 2002. PubMed ID: 12099390; Ryan et al. 2015. PubMed ID: 26169058; Cho et al. 2017. PubMed ID: 27834068; Dieu et al. 2020. PubMed ID: 32635414; Ting et al. 2021. PubMed ID: 33728390).  This variant was also described in the homozygous state in an individual with familial dysalbuminemic hyperthyroxinemia, and that patient showed a greater increase in total thyroxine (T4) relative to that observed in heterozygous family members (Mimoto et al. 2018. PubMed ID: 29676214). This variant is reported in 0.012% of alleles in individuals of Latino descent in gnomAD. This variant is interpreted as pathogenic.

Cambridge Genomics Laboratory, East Genomic Laboratory Hub, NHS Genomic Medicine Service
Classification: Pathogenic for Hyperthyroidism. Last evaluated: 2026-05-07. Review status: criteria provided, single submitter. Criteria: ACGS Best Practice Guidelines for Variant Classification in Rare Disease 2020. Collection method: clinical testing. Allele origin: germline. Affected: yes.

Labcorp Genetics (formerly Invitae), Labcorp
Classification: Uncertain significance. Last evaluated: 2026-02-03. Review status: criteria provided, single submitter. Criteria: Invitae Variant Classification Sherloc (09022015). Collection method: clinical testing. Allele origin: germline.
Comment: This sequence change replaces arginine, which is basic and polar, with histidine, which is basic and polar, at codon 242 of the ALB protein (p.Arg242His). This variant is present in population databases (rs75002628, gnomAD 0.01%). This missense change has been observed in individual(s) with dysalbuminemic hyperthyroxinemia (PMID: 8048949, 12099390, 26169058, 29676214, 30027432, 31582975, 33728390, 36864842, 36964972, 38557642, 38736368). This variant is also known as R218H. ClinVar contains an entry for this variant (Variation ID: 18225). Invitae Evidence Modeling of protein sequence and biophysical properties (such as structural, functional, and spatial information, amino acid conservation, physicochemical variation, residue mobility, and thermodynamic stability) indicates that this missense variant is not expected to disrupt ALB protein function with a negative predictive value of 80%. Experimental studies have shown that this missense change affects ALB function (PMID: 12743361). In summary, the available evidence is currently insufficient to determine the role of this variant in disease. Therefore, it has been classified as a Variant of Uncertain Significance.

Center for Genomic Medicine, Rigshospitalet, Copenhagen University Hospital
Classification: Likely pathogenic. Last evaluated: 2025-12-29. Review status: criteria provided, single submitter. Criteria: ACMG Guidelines, 2015. Collection method: clinical testing. Allele origin: germline.
Comment: Classification criteria: PS3, PM5, PP1, PP4

Molecular Genetics, Royal Melbourne Hospital
Classification: Likely pathogenic for Hyperthyroxinemia, familial dysalbuminemic. Last evaluated: 2024-07-04. Review status: criteria provided, single submitter. Criteria: ACMG Guidelines, 2015. Collection method: clinical testing. Allele origin: germline. Inheritance: Autosomal dominant inheritance. Affected: yes.
Comment: This sequence change in ALB is predicted to replace arginine with histidine at codon 242, p.(Arg242His). This variant has also been reported as p.(Arg218His) in the literature. The arginine residue is moderately conserved (100 vertebrates, Multiz Alignments), and is located in the albumin 2 domain. There is a small physicochemical difference between arginine and histidine. The highest population minor allele frequency in the population database gnomAD v4.1 is 0.025% (15/60,016 alleles) in the Admixed American population. The prevalence of the variant in individuals with familial dysalbuminemic hyperthyroxinemia (FDH) is significantly increased compared with the prevalence in the population (29 in 165 case genotypes vs 15 in 30,008 control genotypes gives an odds ratio of 426.37; 95%CI=223.54-813.23; PMID: 32635414, gnomAD v4.1). The variant has been reported to segregate with FDH in affected family members from multiple unrelated families (PMID: 31582975, 33728390, 27834068, 30027432 ). Computational evidence is uninformative for the missense substitution (REVEL = 0.485). Based on the classification scheme RMH Modified ACMG/AMP Guidelines v1.6.1, this variant is classified as LIKELY PATHOGENIC. Following criteria are met: PP1_Strong, PS4

Blueprint Genetics
Classification: Pathogenic for ALB-related disorders. Last evaluated: 2024-06-18. Review status: criteria provided, single submitter. Criteria: ACMG Guidelines, 2015. Collection method: clinical testing. Allele origin: germline. Affected: yes. Observed: 5 variant alleles.

Women's Health and Genetics/Laboratory Corporation of America, LabCorp
Classification: Uncertain significance. Last evaluated: 2023-10-05. Review status: criteria provided, single submitter. Criteria: LabCorp Variant Classification Summary - May 2015. Collection method: clinical testing. Allele origin: germline.
Comment: Variant summary: ALB c.725G>A (p.Arg242His) results in a non-conservative amino acid change located in the Serum albumin, N-terminal (IPR014760) of the encoded protein sequence. Four of five in-silico tools predict a benign effect of the variant on protein function. The variant allele was found at a frequency of 7.2e-05 in 251392 control chromosomes. This frequency is not significantly higher than estimated for a pathogenic variant in ALB causing Analbuminemia (7.2e-05 vs ND), allowing no conclusion about variant significance. c.725G>A has been reported in the literature in individuals affected with Dysalbuminaemic hyperthyroxinaemia (e.g. Cho_2017, Ryan_2016, Sunthornthepvarakul_1994, Petersen_1994) . These reports do not provide unequivocal conclusions about association of the variant with Analbuminemia. To our knowledge, no experimental evidence demonstrating an impact on protein function has been reported. The following publications have been ascertained in the context of this evaluation (PMID: 27834068, 8064810, 26169058, 8048949). Three submitters have cited clinical-significance assessments for this variant to ClinVar after 2014. All submitters classified the variant as uncertain significance. Based on the evidence outlined above, the variant was classified as uncertain significance.

GeneDx
Classification: Uncertain significance. Last evaluated: 2021-04-08. Review status: criteria provided, single submitter. Criteria: GeneDx Variant Classification Process June 2021. Collection method: clinical testing. Allele origin: germline. Affected: yes.
Comment: Reported in many patients with familial dysalbuminemic hyperthyroxinemia (Petersen et al., 1994; Choudhary et al., 2015; Cho et al., 2017; Khoo et al., 2020); Also reported as R218H due to alternate nomenclature; In silico analysis supports that this missense variant does not alter protein structure/function; This variant is associated with the following publications: (PMID: 26522458, 30027432, 9329347, 11743520, 27834068, 24646103, 24494774, 8048949, 12743361, 19723509, 25153218, 28781323, 26169058, 29676214, 32101523, 30197844, 29133890, 8064810, 12099390)

Soonchunhyang University Bucheon Hospital, Soonchunhyang University Medical Center
Classification: Uncertain significance for Hyperthyroxinemia, familial dysalbuminemic. Last evaluated: 2016-03-18. Review status: criteria provided, single submitter. Criteria: ACMG Guidelines, 2015. Collection method: reference population. Allele origin: germline. Observed: 1 variant allele.

Juno Genomics, Hangzhou Juno Genomics, Inc
Classification: Likely pathogenic for Hyperthyroxinemia, familial dysalbuminemic; Analbuminemia. Review status: criteria provided, single submitter. Criteria: ACMG Guidelines, 2015. Collection method: clinical testing. Allele origin: germline.
Comment: The prevalence of the variant in affected individuals is significantly increased compared to the prevalence in controls.;Co-segregation with disease in multiple affected family members.

OMIM
Classification: Pathogenic for HYPERTHYROXINEMIA, FAMILIAL DYSALBUMINEMIC. Last evaluated: 2001-12-01. Review status: no assertion criteria provided. Collection method: literature only. Allele origin: germline. Not counted in ClinVar's aggregate classification.

Literature cited by the submitters: PubMed 8048949 (cited by 4 submitters); PubMed 12099390 (cited by Labcorp Genetics (formerly Invitae), Labcorp); PubMed 26169058 (cited by Labcorp Genetics (formerly Invitae), Labcorp and Women's Health and Genetics/Laboratory Corporation of America, LabCorp); PubMed 29676214 (cited by Labcorp Genetics (formerly Invitae), Labcorp); PubMed 30027432 (cited by Labcorp Genetics (formerly Invitae), Labcorp and Molecular Genetics, Royal Melbourne Hospital); PubMed 31582975 (cited by Labcorp Genetics (formerly Invitae), Labcorp and Molecular Genetics, Royal Melbourne Hospital); PubMed 33728390 (cited by Labcorp Genetics (formerly Invitae), Labcorp and Molecular Genetics, Royal Melbourne Hospital); PubMed 36864842 (cited by Labcorp Genetics (formerly Invitae), Labcorp and Center for Genomic Medicine, Rigshospitalet, Copenhagen University Hospital); PubMed 36964972 (cited by Labcorp Genetics (formerly Invitae), Labcorp); PubMed 38557642 (cited by Labcorp Genetics (formerly Invitae), Labcorp); PubMed 38736368 (cited by Labcorp Genetics (formerly Invitae), Labcorp); PubMed 12743361 (cited by Labcorp Genetics (formerly Invitae), Labcorp and Soonchunhyang University Bucheon Hospital, Soonchunhyang University Medical Center); PubMed 32635414 (cited by Center for Genomic Medicine, Rigshospitalet, Copenhagen University Hospital and Molecular Genetics, Royal Melbourne Hospital); PubMed 9329347 (cited by Center for Genomic Medicine, Rigshospitalet, Copenhagen University Hospital); PubMed 29163366 (cited by Center for Genomic Medicine, Rigshospitalet, Copenhagen University Hospital); PubMed 27834068 (cited by Molecular Genetics, Royal Melbourne Hospital and Women's Health and Genetics/Laboratory Corporation of America, LabCorp); PubMed 8064810 (cited by 3 submitters); PubMed 11743520 (cited by OMIM).

NM_000477.7(ALB):c.725G>A (p.Arg242His)

Gene: ALB (albumin; plus strand). Cytogenetic location: 4q13.3.
Variant type: single nucleotide variant.
Coding change: c.725G>A on transcript NM_000477.7 (MANE Select); coding-DNA position 725, G replaced by A.
Protein change: p.Arg242His; replaces arginine 242 with histidine.
Molecular consequence: missense variant.
Genome position (GRCh38, 1-based): chr4:73,412,007, G>A. VCF-style: chr4-73412007-G-A. GRCh37 (hg19) VCF-style: chr4-74277724-G-A.
Other names: R218H; c.725G>A (NM_000477.6); short protein forms R242H.
Identifiers: ClinVar variation 18225 (VCV000018225.25), dbSNP rs75002628, ClinGen allele CA127951.